The following is an entry in ClinVar:

ClinVar aggregate classification (germline): Uncertain significance. Review status: criteria provided, multiple submitters, no conflicts (2 of 4 stars). 2 submissions from 2 submitters: Uncertain significance (2). Last evaluated 2025-12-09.

Allele frequency attached by ClinVar (database versions not stated): gnomAD exomes 0.00003 and 0.00008; ExAC 0.00004; gnomAD 0.00002 and 0.00003; ESP Exome Variant Server 0.00008; TOPMed 0.00008.
gnomAD v4.1: 45 of 1,612,324 alleles (0.0028%); highest among the groups gnomAD compares: Admixed American, 0.037%; no homozygotes.

Submissions (2):

Ambry Genetics
Classification: Uncertain significance. Last evaluated: 2025-12-09. Review status: criteria provided, single submitter. Criteria: Ambry Variant Classification Scheme 2023. Collection method: clinical testing. Allele origin: germline.

Labcorp Genetics (formerly Invitae), Labcorp
Classification: Uncertain significance. Last evaluated: 2025-09-24. Review status: criteria provided, single submitter. Criteria: Invitae Variant Classification Sherloc (09022015). Collection method: clinical testing. Allele origin: germline.
Comment: This sequence change replaces arginine, which is basic and polar, with cysteine, which is neutral and slightly polar, at codon 521 of the MKL1 protein (p.Arg521Cys). This variant is present in population databases (rs373666097, gnomAD 0.05%). This variant has not been reported in the literature in individuals affected with MKL1-related conditions. ClinVar contains an entry for this variant (Variation ID: 1683029). An algorithm developed to predict the effect of missense changes on protein structure and function (PolyPhen-2) suggests that this variant is likely to be disruptive. In summary, the available evidence is currently insufficient to determine the role of this variant in disease. Therefore, it has been classified as a Variant of Uncertain Significance.

NM_020831.6(MRTFA):c.1861C>T (p.Arg621Cys)

Gene: MRTFA (myocardin related transcription factor A; minus strand). Cytogenetic location: 22q13.1.
Variant type: single nucleotide variant.
Coding change: c.1861C>T on transcript NM_020831.6 (MANE Select); coding-DNA position 1861, C replaced by T.
Protein change: p.Arg621Cys; replaces arginine 621 with cysteine.
Molecular consequence: missense variant.
Genome position (GRCh38, 1-based): chr22:40,418,877, G>A on the plus strand (C>T on the coding strand, the complement: MRTFA is on the minus strand). VCF-style: chr22-40418877-G-A. GRCh37 (hg19) VCF-style: chr22-40814881-G-A.
Other names: c.1561C>T (NM_020831.3); c.1561C>T, p.Arg521Cys (NM_001282660.2); c.1711C>T, p.Arg571Cys (NM_001282661.3); c.1861C>T, p.Arg621Cys (NM_001282662.3); c.1666C>T, p.Arg556Cys (NM_001318139.2); short protein forms R521C, R556C, R571C, R621C.
Identifiers: ClinVar variation 1683029 (VCV001683029.7), dbSNP rs373666097, ClinGen allele CA10249517.